The following is an entry in ClinVar:

NM_213720.3(CHCHD10):c.41+7G>A

Gene: CHCHD10 (coiled-coil-helix-coiled-coil-helix domain containing 10; minus strand). Cytogenetic location: 22q11.23.
Variant type: single nucleotide variant.
Coding change: c.41+7G>A on transcript NM_213720.3 (MANE Select); 7 bases into the intron after coding-DNA position 41, G replaced by A.
Molecular consequence: intron variant.
Genome position (GRCh38, 1-based): chr22:23,767,827, C>T on the plus strand (G>A on the coding strand, the complement: CHCHD10 is on the minus strand). VCF-style: chr22-23767827-C-T. GRCh37 (hg19) VCF-style: chr22-24110014-C-T.
Other names: p.?; c.41+7G>A (NM_001301339.2).
Identifiers: ClinVar variation 473428 (VCV000473428.43), dbSNP rs141526972, ClinGen allele CA10145328.

ClinVar aggregate classification (germline): Benign/Likely benign. Review status: criteria provided, multiple submitters, no conflicts (2 of 4 stars). 8 submissions from 8 submitters: Benign (2); Likely benign (3). 3 of the submissions do not count toward it. Last evaluated 2026-08-01.

Conditions:
CHCHD10-related disorder. Also called: CHCHD10-Related Disorders; CHCHD10-related condition. Identifiers: MedGen CN381526.
Lower motor neuron syndrome with late-adult onset (SMAJ). Also called: Spinal muscular atrophy, Jokela type; Late-Onset Spinal Motor Neuronopathy (SMAJ). Identifiers: Orphanet 276435, MedGen C3554398, MONDO:0014025, OMIM 615048.
Autosomal dominant mitochondrial myopathy with exercise intolerance (IMMD). Also called: Myopathy, isolated mitochondrial, autosomal dominant. Identifiers: Orphanet 457050, MedGen C4015513, MONDO:0014532, OMIM 616209.
Frontotemporal dementia and/or amyotrophic lateral sclerosis 2. Also called: FTDALS2. Identifiers: Orphanet 275872, MedGen C4014648, MONDO:0014395, OMIM 615911.

Allele frequency attached by ClinVar (database versions not stated): ESP Exome Variant Server 0.00071; gnomAD exomes 0.00103; TOPMed 0.00122; gnomAD 0.00143 and 0.00147; ExAC 0.00189.
gnomAD v4.1: 3,307 of 1,541,748 alleles (0.21%); highest among the groups gnomAD compares: Non-Finnish European, 0.27%; 8 homozygotes.

Submissions (8):

CeGaT Center for Human Genetics Tuebingen
Classification: Likely benign. Last evaluated: 2026-08-01. Review status: criteria provided, single submitter. Criteria: CeGaT Center For Human Genetics Tuebingen Variant Classification Criteria Version 2. Collection method: clinical testing. Allele origin: germline. Affected: yes. Observed: 13 variant alleles.
Comment: CHCHD10: BP4

Labcorp Genetics (formerly Invitae), Labcorp
Classification: Benign for Lower motor neuron syndrome with late-adult onset; Frontotemporal dementia and/or amyotrophic lateral sclerosis 2; Autosomal dominant mitochondrial myopathy with exercise intolerance. Last evaluated: 2026-02-01. Review status: criteria provided, single submitter. Criteria: Invitae Variant Classification Sherloc (09022015). Collection method: clinical testing. Allele origin: germline.

Mayo Clinic Laboratories, Mayo Clinic
Classification: Benign. Last evaluated: 2025-05-29. Review status: criteria provided, single submitter. Criteria: ACMG Guidelines, 2015. Collection method: clinical testing. Allele origin: germline. Observed: 12 variant alleles.
Comment: BS1, BS2

Blueprint Genetics
Classification: Likely benign. Last evaluated: 2024-10-18. Review status: criteria provided, single submitter. Criteria: ACMG Guidelines, 2015. Collection method: clinical testing. Allele origin: germline.

PreventionGenetics, part of Exact Sciences
Classification: Likely benign for CHCHD10-related condition. Last evaluated: 2019-06-05. Review status: criteria provided, single submitter. Criteria: ACMG Guidelines, 2015. Collection method: clinical testing. Allele origin: germline.
Comment: This variant is classified as likely benign based on ACMG/AMP sequence variant interpretation guidelines (Richards et al. 2015 PMID: 25741868, with internal and published modifications).

Clinical Genetics DNA and cytogenetics Diagnostics Lab, Erasmus MC, Erasmus Medical Center
Classification: Likely benign. Review status: no assertion criteria provided. Collection method: clinical testing. Allele origin: germline. Affected: yes. Study: VKGL Data-share Consensus. Not counted in ClinVar's aggregate classification.

Genome Diagnostics Laboratory, Amsterdam University Medical Center
Classification: Likely benign. Review status: no assertion criteria provided. Collection method: clinical testing. Allele origin: germline. Affected: yes. Study: VKGL Data-share Consensus. Not counted in ClinVar's aggregate classification.

Genome Diagnostics Laboratory, University Medical Center Utrecht
Classification: Likely benign. Review status: no assertion criteria provided. Collection method: clinical testing. Allele origin: germline. Affected: yes. Study: VKGL Data-share Consensus. Not counted in ClinVar's aggregate classification.